The following is an entry in ClinVar:

NM_000291.4(PGK1):c.1043T>G (p.Phe348Cys)

Gene: PGK1 (phosphoglycerate kinase 1; plus strand). Cytogenetic location: Xq21.1.
Variant type: single nucleotide variant.
Coding change: c.1043T>G on transcript NM_000291.4 (MANE Select); coding-DNA position 1043, T replaced by G.
Protein change: p.Phe348Cys; replaces phenylalanine 348 with cysteine.
Molecular consequence: missense variant.
Genome position (GRCh38, 1-based): chrX:78,124,980, T>G. VCF-style: chrX-78124980-T-G. GRCh37 (hg19) VCF-style: chrX-77380477-T-G.
Other names: short protein forms F348C.
Identifiers: ClinVar variation 1301796 (VCV001301796.3), dbSNP rs2149137029, ClinGen allele CA413717827.

ClinVar aggregate classification (germline): Uncertain significance. Review status: criteria provided, multiple submitters, no conflicts (2 of 4 stars). 2 submissions from 2 submitters: Uncertain significance (2). Last evaluated 2023-10-11.

Conditions:
Glycogen storage disease due to phosphoglycerate kinase 1 deficiency. Also called: PGK1 DEFICIENCY; PHOSPHOGLYCERATE KINASE 1 DEFICIENCY WITH LEVO-DOPA-RESPONSIVE PARKINSONISM. Identifiers: Orphanet 713, MedGen C1970848, MONDO:0010392, OMIM 300653.

Submissions (2):

GeneDx
Classification: Uncertain significance. Last evaluated: 2023-10-11. Review status: criteria provided, single submitter. Criteria: GeneDx Variant Classification Process June 2021. Collection method: clinical testing. Allele origin: germline. Affected: yes.
Comment: Reported previously as a maternally inherited hemizygous variant in an individual with seizures (El Naofal et al., 2023); Not observed at significant frequency in large population cohorts (gnomAD); In silico analysis supports that this missense variant has a deleterious effect on protein structure/function; This variant is associated with the following publications: (PMID: 36703223)

Dubai Health Genomic Medicine Center, Dubai Health
Classification: Uncertain significance for Glycogen storage disease due to phosphoglycerate kinase 1 deficiency. Last evaluated: 2020-05-14. Review status: criteria provided, single submitter. Criteria: ACMG Guidelines, 2015. Collection method: clinical testing. Allele origin: germline. Affected: yes.